The following is an entry in ClinVar:

NM_001297.5(CNGB1):c.3290del (p.Leu1097fs)

Gene: CNGB1 (cyclic nucleotide gated channel subunit beta 1; minus strand). Cytogenetic location: 16q21.
Variant type: Deletion.
Coding change: c.3290del on transcript NM_001297.5 (MANE Select); coding-DNA position 3290, one base deleted (T; older notation c.3290delT).
Protein change: p.Leu1097fs; shifts the reading frame from leucine 1097.
Molecular consequence: frameshift variant.
Genome position (GRCh38, 1-based): chr16:57,888,027, A deleted on the plus strand (T on the coding strand, the reverse complement: CNGB1 is on the minus strand). VCF-style (leftmost placement, unchanged base first): chr16-57888026-CA-C. GRCh37 (hg19) VCF-style: chr16-57921930-CA-C.
Other names: c.3272del, p.Leu1091fs (NM_001286130.2); short protein forms L1091fs, L1097fs.
Identifiers: ClinVar variation 4850049 (VCV004850049.1).

ClinVar aggregate classification (germline): Likely pathogenic (1 of 4 stars; one submission).

Conditions:
Retinitis pigmentosa 45 (RP45). Identifiers: Orphanet 791, MedGen C3151066, MONDO:0013413, OMIM 613767.

Submission:

Variantyx, Inc.
Classification: Likely pathogenic for Retinitis pigmentosa 45. Last evaluated: 2025-09-15. Review status: criteria provided, single submitter. Criteria: Variantyx Assertion Criteria 2022. Collection method: clinical testing. Allele origin: germline. Inheritance: Autosomal recessive inheritance.
Comment: This is a frameshift variant in the CNGB1 gene (OMIM: 600724). Pathogenic variants in this gene have been associated with autosomal recessive retinitis pigmentosa 45. The alteration introduces a premature termination codon in exon 32 out of 33 and is expected to result in loss of function, which is a known disease mechanism for CNGB1 in this disorder (PMID: 14661080) (PVS1). This variant has not been reported in individuals with CNGB1-related disorders in the databases available for review, and it is absent from control populations (PM2). Based on the current evidence, this variant is classified as likely pathogenic for autosomal recessive retinitis pigmentosa 45.

Literature cited by the submitters: PubMed 14661080.